The following is an entry in ClinVar:

ClinVar aggregate classification (germline): Benign/Likely benign. Review status: criteria provided, multiple submitters, no conflicts (2 of 4 stars). 3 submissions from 3 submitters: Benign (1); Likely benign (1). 1 of the submissions does not count toward it. Last evaluated 2024-11-27.

Conditions:
BHLHE41-related disorder. Also called: BHLHE41-related condition.

Allele frequency attached by ClinVar (database versions not stated): 1000 Genomes Project 0.01138; 1000 Genomes Project 30x 0.01265; ESP Exome Variant Server 0.01914; gnomAD 0.02222; TOPMed 0.02454; ExAC 0.10759.
gnomAD v4.1: 40,393 of 1,283,514 alleles (3.1%); highest among the groups gnomAD compares: Non-Finnish European, 3.6%; 772 homozygotes.

Submissions (3):

Blueprint Genetics
Classification: Likely benign. Last evaluated: 2024-11-27. Review status: criteria provided, single submitter. Criteria: ACMG Guidelines, 2015. Collection method: clinical testing. Allele origin: germline.

Mayo Clinic Laboratories, Mayo Clinic
Classification: Benign. Last evaluated: 2023-05-23. Review status: criteria provided, single submitter. Criteria: ACMG Guidelines, 2015. Collection method: clinical testing. Allele origin: germline. Observed: 21 variant alleles.
Comment: BS1, BS2, BP4, BP7

PreventionGenetics, part of Exact Sciences
Classification: Benign for BHLHE41-related condition. Last evaluated: 2019-12-03. Review status: no assertion criteria provided. Collection method: clinical testing. Allele origin: germline. Not counted in ClinVar's aggregate classification.
Comment: This variant is classified as benign based on ACMG/AMP sequence variant interpretation guidelines (Richards et al. 2015 PMID: 25741868, with internal and published modifications).

NM_030762.3(BHLHE41):c.1116G>C (p.Leu372=)

Genes: BHLHE41 (basic helix-loop-helix family member e41; minus strand), SSPN (sarcospan; plus strand). Cytogenetic location: 12p12.1.
Variant type: single nucleotide variant.
Coding change: c.1116G>C on transcript NM_030762.3 (MANE Select); coding-DNA position 1116, G replaced by C.
Protein change: p.Leu372=; no amino-acid change (leucine 372 retained).
Molecular consequence: synonymous variant.
Genome position (GRCh38, 1-based): chr12:26,122,399, C>G on the plus strand (G>C on the coding strand, the complement: BHLHE41 is on the minus strand). VCF-style: chr12-26122399-C-G. GRCh37 (hg19) VCF-style: chr12-26275332-C-G.
Other names: p.Leu372=.
Identifiers: ClinVar variation 3055569 (VCV003055569.4), dbSNP rs140063083, ClinGen allele CA6487605.